The following is an entry in ClinVar:

NM_001165963.4(SCN1A):c.458G>T (p.Trp153Leu)

Gene: SCN1A (sodium voltage-gated channel alpha subunit 1; minus strand). Cytogenetic location: 2q24.3.
Variant type: single nucleotide variant.
Coding change: c.458G>T on transcript NM_001165963.4 (MANE Select); coding-DNA position 458, G replaced by T.
Protein change: p.Trp153Leu; replaces tryptophan 153 with leucine.
Molecular consequence: missense variant. On other transcripts: 5 prime UTR variant (1), non-coding transcript variant (1).
Genome position (GRCh38, 1-based): chr2:166,056,426, C>A on the plus strand (G>T on the coding strand, the complement: SCN1A is on the minus strand). VCF-style: chr2-166056426-C-A. GRCh37 (hg19) VCF-style: chr2-166912936-C-A.
Other names: c.458G>T, p.Trp153Leu (NM_001165964.3, NM_001202435.3, NM_001353948.2 and 10 more transcripts); c.-1968G>T (NM_001353961.2); short protein forms W153L.
Identifiers: ClinVar variation 1207752 (VCV001207752.3), dbSNP rs2105909582, ClinGen allele CA349075880.

ClinVar aggregate classification (germline): Uncertain significance (1 of 4 stars; one submission).

Submission:

GeneDx
Classification: Uncertain significance. Last evaluated: 2019-12-06. Review status: criteria provided, single submitter. Criteria: GeneDx Variant Classification Process June 2021. Collection method: clinical testing. Allele origin: germline. Affected: yes.
Comment: Not observed in large population cohorts (Lek et al., 2016); The majority of missense variants in this gene are considered pathogenic (Stenson et al., 2014); In silico analysis, which includes protein predictors and evolutionary conservation, supports a deleterious effect; Substitution predicted to be in the extracellular loop between the S1 and S2 transmembrane segments of the first homologous domain; Has not been previously published as pathogenic or benign to our knowledge